The following is an entry in ClinVar:

NM_003722.5(TP63):c.1334A>G (p.His445Arg)

Gene: TP63 (tumor protein p63; plus strand). Cytogenetic location: 3q28.
Variant type: single nucleotide variant.
Coding change: c.1334A>G on transcript NM_003722.5 (MANE Select); coding-DNA position 1334, A replaced by G.
Protein change: p.His445Arg; replaces histidine 445 with arginine.
Molecular consequence: missense variant.
Genome position (GRCh38, 1-based): chr3:189,872,980, A>G. VCF-style: chr3-189872980-A-G. GRCh37 (hg19) VCF-style: chr3-189590769-A-G.
Other names: c.1334A>G, p.His445Arg (NM_001329144.2, NM_001114978.2, NM_001114979.2); c.1052A>G, p.His351Arg (NM_001329145.2, NM_001114980.2, NM_001114981.2 and 1 more transcripts); c.797A>G, p.His266Arg (NM_001329146.2); c.1322A>G, p.His441Arg (NM_001329148.2); c.1040A>G, p.His347Arg (NM_001329149.2); c.785A>G, p.His262Arg (NM_001329150.2); c.1328A>G, p.His443Arg (NM_001329964.2); short protein forms H351R, H443R, H347R, H441R, H262R, H266R, H445R.
Identifiers: ClinVar variation 1485753 (VCV001485753.7), dbSNP rs2108818787, ClinGen allele CA355756066.
Genomic context (GRCh38, chr3:189,872,980, plus strand): 5'-AGTACCTTCCTCAGCACACAATTGAAACGTACAGGCAACAGCAACAGCAGCAGCACCAGC[A>G]CTTACTTCAGAAACAGTGAGTGTATCAACGTGTCATTTTAGGAGGCATGAGTGAGGGTGA-3'
Protein context (NP_003713.3, residues 435-455): YRQQQQQQHQ[His445Arg]LLQKQTSIQS

ClinVar aggregate classification (germline): Uncertain significance (1 of 4 stars; one submission).

Conditions:
TP63-Related Spectrum Disorders.

Submission:

Labcorp Genetics (formerly Invitae), Labcorp
Classification: Uncertain significance. Last evaluated: 2023-08-10. Review status: criteria provided, single submitter. Criteria: Invitae Variant Classification Sherloc (09022015). Collection method: clinical testing. Allele origin: germline.
Comment: In summary, the available evidence is currently insufficient to determine the role of this variant in disease. Therefore, it has been classified as a Variant of Uncertain Significance. Advanced modeling of protein sequence and biophysical properties (such as structural, functional, and spatial information, amino acid conservation, physicochemical variation, residue mobility, and thermodynamic stability) has been performed at Invitae for this missense variant, however the output from this modeling did not meet the statistical confidence thresholds required to predict the impact of this variant on TP63 protein function. ClinVar contains an entry for this variant (Variation ID: 1485753). This variant has not been reported in the literature in individuals affected with TP63-related conditions. This variant is not present in population databases (gnomAD no frequency). This sequence change replaces histidine, which is basic and polar, with arginine, which is basic and polar, at codon 445 of the TP63 protein (p.His445Arg).